The following is an entry in ClinVar:

NM_001693.4(ATP6V1B2):c.1131C>A (p.Ile377=)

Gene: ATP6V1B2 (ATPase H+ transporting V1 subunit B2; plus strand). Cytogenetic location: 8p21.3.
Variant type: single nucleotide variant.
Coding change: c.1131C>A on transcript NM_001693.4 (MANE Select); coding-DNA position 1131, C replaced by A.
Protein change: p.Ile377=; no amino-acid change (isoleucine 377 retained).
Molecular consequence: synonymous variant.
Genome position (GRCh38, 1-based): chr8:20,216,465, C>A. VCF-style: chr8-20216465-C-A. GRCh37 (hg19) VCF-style: chr8-20073976-C-A.
Identifiers: ClinVar variation 783836 (VCV000783836.29), dbSNP rs138887483, ClinGen allele CA4657062.

ClinVar aggregate classification (germline): Benign/Likely benign. Review status: criteria provided, multiple submitters, no conflicts (2 of 4 stars). 4 submissions from 4 submitters: Benign (2); Likely benign (2). Last evaluated 2026-10-01.

Allele frequency attached by ClinVar (database versions not stated): 1000 Genomes Project 30x 0.00156; ESP Exome Variant Server 0.00169; 1000 Genomes Project 0.00200; TOPMed 0.00225; gnomAD 0.00305.
gnomAD v4.1: 5,294 of 1,613,336 alleles (0.33%); highest among the groups gnomAD compares: Middle Eastern, 0.56%; 16 homozygotes.

Submissions (4):

CeGaT Center for Human Genetics Tuebingen
Classification: Likely benign. Last evaluated: 2026-10-01. Review status: criteria provided, single submitter. Criteria: CeGaT Center For Human Genetics Tuebingen Variant Classification Criteria Version 2. Collection method: clinical testing. Allele origin: germline. Affected: yes. Observed: 14 variant alleles.
Comment: ATP6V1B2: BP4, BP7

Blueprint Genetics
Classification: Likely benign. Last evaluated: 2024-11-21. Review status: criteria provided, single submitter. Criteria: ACMG Guidelines, 2015. Collection method: clinical testing. Allele origin: germline.

Labcorp Genetics (formerly Invitae), Labcorp
Classification: Benign. Last evaluated: 2019-12-31. Review status: criteria provided, single submitter. Criteria: Invitae Variant Classification Sherloc (09022015). Collection method: clinical testing. Allele origin: germline.

Breakthrough Genomics
Classification: Benign. Review status: criteria provided, single submitter. Criteria: ACMG Guidelines, 2015. Collection method: not provided. Allele origin: germline. Inheritance: Autosomal dominant inheritance. Affected: yes.